The following is an entry in ClinVar:

NM_000051.4(ATM):c.7584del (p.Thr2529fs)

Genes: ATM (ATM serine/threonine kinase; plus strand), C11orf65 (chromosome 11 open reading frame 65; minus strand). Cytogenetic location: 11q22.3.
Variant type: Deletion.
Coding change: c.7584del on transcript NM_000051.4 (MANE Select); coding-DNA position 7584, one base deleted (G; older notation c.7584delG).
Protein change: p.Thr2529fs; shifts the reading frame from threonine 2529.
Molecular consequence: frameshift variant. On other transcripts: non-coding transcript variant (1), intron variant (2).
Genome position (GRCh38, 1-based): chr11:108,331,512, G deleted; the last of 4 consecutive G bases (chr11:108,331,509-108,331,512); deleting any one gives the same sequence. VCF-style (leftmost placement, unchanged base first): chr11-108331508-TG-T. GRCh37 (hg19) VCF-style: chr11-108202235-TG-T.
Other names: c.7584del, p.Thr2529fs (NM_001351834.2); c.641-22438del (NM_001330368.2); c.*38+3711del (NM_001351110.2); short protein forms T2529fs.
Identifiers: ClinVar variation 3148807 (VCV003148807.1), dbSNP rs2547274815, ClinGen allele CA2825001959.

ClinVar aggregate classification (germline): Pathogenic (1 of 4 stars; one submission).

Conditions:
Familial cancer of breast. Also called: hereditary breast carcinoma; BREAST CANCER, FAMILIAL; Hereditary breast cancer. Identifiers: Orphanet 227535, MedGen C0346153, MONDO:0016419, OMIM 114480. Disease mechanism: loss of function.

Submission:

Myriad Genetics, Inc.
Classification: Pathogenic for Familial cancer of breast. Last evaluated: 2024-01-31. Review status: criteria provided, single submitter. Criteria: Myriad Autosomal Dominant, Autosomal Recessive and X-Linked Classification Criteria (2023). Collection method: clinical testing. Allele origin: unknown.
Comment: This variant is considered pathogenic. This variant creates a frameshift predicted to result in premature protein truncation.